The following is an entry in ClinVar:

NM_212557.4(AMTN):c.-7C>T

Gene: AMTN (amelotin; plus strand). Cytogenetic location: 4q13.3.
Variant type: single nucleotide variant.
Coding change: c.-7C>T on transcript NM_212557.4 (MANE Select); 7 bases upstream of the start codon, C replaced by T.
Molecular consequence: 5 prime UTR variant.
Genome position (GRCh38, 1-based): chr4:70,518,771, C>T. VCF-style: chr4-70518771-C-T. GRCh37 (hg19) VCF-style: chr4-71384488-C-T.
Other names: c.-7C>T (NM_001286731.2).
Identifiers: ClinVar variation 3059340 (VCV003059340.2), dbSNP rs28674149, ClinGen allele CA2950894.
Genomic context (GRCh38, chr4:70,518,771, plus strand): 5'-TCTTAAAAGGAAAAAAAATACATGGAAGAGTAACACTTTTTTGTTGTTGTAGGTAGCAAT[C>T]TGAAACATGAGGAGTACGATTCTACTGTTTTGTCTTCTAGGATCAACTCGGTCATTACCA-3'

ClinVar aggregate classification (germline): Benign (0 of 4 stars; one submission).

Conditions:
AMTN-related disorder. Also called: AMTN-related condition.

Allele frequency attached by ClinVar (database versions not stated): ExAC 0.88878; 1000 Genomes Project 0.89736; 1000 Genomes Project 30x 0.89928; gnomAD exomes 0.90228; TOPMed 0.91418; gnomAD 0.91451; ESP Exome Variant Server 0.92519.
gnomAD v4.1: 1,440,280 of 1,594,978 alleles (90%); highest among the groups gnomAD compares: African/African-American, 97%; 651,668 homozygotes.

Submission:

PreventionGenetics, part of Exact Sciences
Classification: Benign for AMTN-related condition. Last evaluated: 2019-03-21. Review status: no assertion criteria provided. Collection method: clinical testing. Allele origin: germline.
Comment: This variant is classified as benign based on ACMG/AMP sequence variant interpretation guidelines (Richards et al. 2015 PMID: 25741868, with internal and published modifications).